The following is an entry in ClinVar:

ClinVar aggregate classification (germline): Uncertain significance (1 of 4 stars; one submission).

Conditions:
Inborn genetic diseases. Identifiers: MedGen C0950123, MeSH D030342.

Allele frequency attached by ClinVar (database versions not stated): ExAC 0.00007; gnomAD 0.00012; ESP Exome Variant Server 0.00017.
gnomAD v4.1: 79 of 1,613,626 alleles (0.0049%); highest among the groups gnomAD compares: African/African-American, 0.049%; no homozygotes.

Submission:

Ambry Genetics
Classification: Uncertain significance for Inborn genetic diseases. Last evaluated: 2021-01-13. Review status: criteria provided, single submitter. Criteria: Ambry Variant Classification Scheme 2023. Collection method: clinical testing. Allele origin: germline.
Comment: The c.3707G>A (p.R1236H) alteration is located in exon 19 (coding exon 19) of the TENM3 gene. This alteration results from a G to A substitution at nucleotide position 3707, causing the arginine (R) at amino acid position 1236 to be replaced by a histidine (H). The in silico prediction for the p.R1236H alteration is inconclusive. Based on insufficient or conflicting evidence, the clinical significance of this alteration remains unclear.

NM_001080477.4(TENM3):c.3707G>A (p.Arg1236His)

Gene: TENM3 (teneurin transmembrane protein 3; plus strand). Cytogenetic location: 4q35.1.
Variant type: single nucleotide variant.
Coding change: c.3707G>A on transcript NM_001080477.4 (MANE Select); coding-DNA position 3707, G replaced by A.
Protein change: p.Arg1236His; replaces arginine 1236 with histidine.
Molecular consequence: missense variant.
Genome position (GRCh38, 1-based): chr4:182,751,877, G>A. VCF-style: chr4-182751877-G-A. GRCh37 (hg19) VCF-style: chr4-183673030-G-A.
Other names: c.2939G>A, p.Arg980His (NM_001415960.1); c.2912G>A, p.Arg971His (NM_001415961.1); c.2909G>A, p.Arg970His (NM_001415962.1); c.2891G>A, p.Arg964His (NM_001415963.1); c.2888G>A, p.Arg963His (NM_001415964.1); c.3425G>A, p.Arg1142His (NM_001415966.1); c.3449G>A, p.Arg1150His (NM_001415967.1); c.3725G>A, p.Arg1242His (NM_001415968.1); and 4 more; short protein forms R1142H, R1143H, R1235H, R970H, R1150H, R1236H, R1242H, R971H.
Identifiers: ClinVar variation 2410919 (VCV002410919.2), dbSNP rs367732296, ClinGen allele CA3148271.